The following is an entry in ClinVar:

NM_004655.4(AXIN2):c.1387C>A (p.Arg463Ser)

Gene: AXIN2 (axin 2; minus strand). Cytogenetic location: 17q24.1.
Variant type: single nucleotide variant.
Coding change: c.1387C>A on transcript NM_004655.4 (MANE Select); coding-DNA position 1387, C replaced by A.
Protein change: p.Arg463Ser; replaces arginine 463 with serine.
Molecular consequence: missense variant.
Genome position (GRCh38, 1-based): chr17:65,537,649, G>T on the plus strand (C>A on the coding strand, the complement: AXIN2 is on the minus strand). VCF-style: chr17-65537649-G-T. GRCh37 (hg19) VCF-style: chr17-63533767-G-T.
Other names: c.1387C>A, p.Arg463Ser (NM_001363813.1); short protein forms R463S.
Identifiers: ClinVar variation 3366118 (VCV003366118.1).
Genomic context (GRCh38, chr17:65,537,649, plus strand): 5'-GCGGGAGCAGGGAGTGGTACTGCGAATGGTGGTGGTGGTGGTGGTCCGGGGAGCGGGAGC[G>T]GGGGCTATAGCGGCCTACGCCTGGAGACTGGCAGCCAGGGGTCTTGAGGACCCTGGACAG-3'
Protein context (NP_004646.3, residues 453-473): QSPGVGRYSP[Arg463Ser]SRSPDHHHHH

ClinVar aggregate classification (germline): Uncertain significance (1 of 4 stars; one submission).

gnomAD v4.1: 1 of 1,573,328 alleles (0.000064%); highest among the groups gnomAD compares: Middle Eastern, 0.017%; no homozygotes.

Submission:

GeneDx
Classification: Uncertain significance. Last evaluated: 2023-10-16. Review status: criteria provided, single submitter. Criteria: GeneDx Variant Classification Process June 2021. Collection method: clinical testing. Allele origin: germline. Affected: yes.
Comment: Has not been previously published as pathogenic or benign to our knowledge; Not observed at significant frequency in large population cohorts (gnomAD); In silico analysis supports that this missense variant does not alter protein structure/function